The following is an entry in ClinVar:

ClinVar aggregate classification (germline): Benign/Likely benign. Review status: criteria provided, multiple submitters, no conflicts (2 of 4 stars). 7 submissions from 7 submitters: Benign (1); Likely benign (4). 2 of the submissions do not count toward it. Last evaluated 2026-02-04.

Conditions:
COL4A5-related disorder. Also called: COL4A5-related condition.
X-linked Alport syndrome (ATS1). Also called: NEPHROPATHY AND DEAFNESS, X-LINKED; COL4A5-Related Nephropathy. Identifiers: Orphanet 63, Orphanet 88917, MedGen C4746986, MONDO:0010520, OMIM 301050.

Allele frequency attached by ClinVar (database versions not stated): ExAC 0.00033; TOPMed 0.00043; gnomAD exomes 0.00091; ESP Exome Variant Server 0.00057.
gnomAD v4.1: 1,027 of 1,208,447 alleles (0.085%); highest among the groups gnomAD compares: Non-Finnish European, 0.11%; no homozygotes.

Submissions (7):

Labcorp Genetics (formerly Invitae), Labcorp
Classification: Benign. Last evaluated: 2026-02-04. Review status: criteria provided, single submitter. Criteria: Invitae Variant Classification Sherloc (09022015). Collection method: clinical testing. Allele origin: germline.

PreventionGenetics, part of Exact Sciences
Classification: Likely benign for COL4A5-related condition. Last evaluated: 2025-03-04. Review status: criteria provided, single submitter. Criteria: ACMG Guidelines, 2015. Collection method: clinical testing. Allele origin: germline.
Comment: This variant is classified as likely benign based on ACMG/AMP sequence variant interpretation guidelines (Richards et al. 2015 PMID: 25741868, with internal and published modifications).

Fulgent Genetics
Classification: Likely benign for X-linked Alport syndrome. Last evaluated: 2022-05-17. Review status: criteria provided, single submitter. Criteria: ACMG Guidelines, 2015. Collection method: clinical testing. Allele origin: unknown.

Genome-Nilou Lab
Classification: Likely benign for X-linked Alport syndrome. Last evaluated: 2021-07-22. Review status: criteria provided, single submitter. Criteria: ACMG Guidelines, 2015. Collection method: clinical testing. Allele origin: germline. Affected: no.

GeneDx
Classification: Likely benign. Last evaluated: 2021-06-08. Review status: criteria provided, single submitter. Criteria: GeneDx Variant Classification Process June 2021. Collection method: clinical testing. Allele origin: germline. Affected: yes.
Comment: In silico analysis, which includes protein predictors and evolutionary conservation, supports a deleterious effect; This variant is associated with the following publications: (PMID: 7706490, 9195222)

Natera, Inc.
Classification: Likely benign for X-linked Alport syndrome. Last evaluated: 2020-03-04. Review status: no assertion criteria provided. Collection method: clinical testing. Allele origin: germline. Not counted in ClinVar's aggregate classification.

Gharavi Laboratory, Columbia University
Classification: Uncertain significance. Last evaluated: 2018-09-16. Review status: no assertion criteria provided. Criteria: ACMG Guidelines, 2015. Collection method: research. Allele origin: germline. Affected: no. Not counted in ClinVar's aggregate classification.

NM_033380.3(COL4A5):c.4282C>T (p.Arg1428Cys)

Gene: COL4A5 (collagen type IV alpha 5 chain; plus strand). Cytogenetic location: Xq22.3.
Variant type: single nucleotide variant.
Coding change: c.4282C>T on transcript NM_033380.3 (MANE Select); coding-DNA position 4282, C replaced by T.
Protein change: p.Arg1428Cys; replaces arginine 1428 with cysteine.
Molecular consequence: missense variant.
Genome position (GRCh38, 1-based): chrX:108,686,096, C>T. VCF-style: chrX-108686096-C-T. GRCh37 (hg19) VCF-style: chrX-107929326-C-T.
Other names: R1421C; c.4264C>T, p.Arg1422Cys (NM_000495.5); short protein forms R1422C, R1428C.
Identifiers: ClinVar variation 242725 (VCV000242725.32), dbSNP rs144282156, ClinGen allele CA033364.